The following is an entry in ClinVar:

ClinVar aggregate classification (germline): Benign. Review status: criteria provided, multiple submitters, no conflicts (2 of 4 stars). 4 submissions from 4 submitters: Benign (4). Last evaluated 2026-02-04.

Conditions:
Ichthyosis bullosa of Siemens (IBS). Also called: Superficial epidermolytic ichthyosis. Identifiers: Orphanet 455, MedGen C0432306, MONDO:0007813, OMIM 146800.

Allele frequency attached by ClinVar (database versions not stated): 1000 Genomes Project 30x 0.06855; 1000 Genomes Project 0.07208; TOPMed 0.10122; gnomAD 0.10514 and 0.10536; ESP Exome Variant Server 0.11164.
gnomAD v4.1: 213,891 of 1,613,492 alleles (13%); highest among the groups gnomAD compares: Middle Eastern, 23%; 15,687 homozygotes.

Submissions (4):

Labcorp Genetics (formerly Invitae), Labcorp
Classification: Benign. Last evaluated: 2026-02-04. Review status: criteria provided, single submitter. Criteria: Invitae Variant Classification Sherloc (09022015). Collection method: clinical testing. Allele origin: germline.

GeneDx
Classification: Benign. Last evaluated: 2021-05-04. Review status: criteria provided, single submitter. Criteria: GeneDx Variant Classification Process June 2021. Collection method: clinical testing. Allele origin: germline. Affected: yes.

Illumina Laboratory Services, Illumina
Classification: Benign for Ichthyosis bullosa of Siemens. Last evaluated: 2018-01-13. Review status: criteria provided, single submitter. Criteria: ICSL Variant Classification Criteria 13 December 2019. Collection method: clinical testing. Allele origin: germline.
Comment: This variant was observed in the ICSL laboratory as part of a predisposition screen in an ostensibly healthy population. It had not been previously curated by ICSL or reported in the Human Gene Mutation Database (HGMD: prior to June 1st, 2018), and was therefore a candidate for classification through an automated scoring system. Utilizing variant allele frequency, disease prevalence and penetrance estimates, and inheritance mode, an automated score was calculated to assess if this variant is too frequent to cause the disease. Based on the score and internal cut-off values, a variant classified as benign is not then subjected to further curation. The score for this variant resulted in a classification of benign for this disease.

Breakthrough Genomics
Classification: Benign. Review status: criteria provided, single submitter. Criteria: ACMG Guidelines, 2015. Collection method: not provided. Allele origin: germline. Inheritance: Autosomal dominant inheritance. Affected: yes.

NM_000423.3(KRT2):c.656G>A (p.Gly219Asp)

Gene: KRT2 (keratin 2; minus strand). Cytogenetic location: 12q13.13.
Variant type: single nucleotide variant.
Coding change: c.656G>A on transcript NM_000423.3 (MANE Select); coding-DNA position 656, G replaced by A.
Protein change: p.Gly219Asp; replaces glycine 219 with aspartic acid.
Molecular consequence: missense variant.
Genome position (GRCh38, 1-based): chr12:52,650,483, C>T on the plus strand (G>A on the coding strand, the complement: KRT2 is on the minus strand). VCF-style: chr12-52650483-C-T. GRCh37 (hg19) VCF-style: chr12-53044267-C-T.
Other names: short protein forms G219D.
Identifiers: ClinVar variation 309616 (VCV000309616.15), dbSNP rs638043, ClinGen allele CA6585768.
Genomic context (GRCh38, chr12:52,650,483, plus strand): 5'-TATCTCTTGAGGCTGTCGATATACCCCTGGAAGATGGGCTCCAGGTTGATGGGGCGGGTG[C>T]CAACATTCATTTGTTGTAGCAGCTCCCATTTGGTCTGTAACACCTGGTTCTGCTGCTCCA-3'
Protein context (NP_000414.2, residues 209-229): KWELLQQMNV[Gly219Asp]TRPINLEPIF